The following is an entry in ClinVar:

NM_001009944.3(PKD1):c.3362G>C (p.Ser1121Thr)

Gene: PKD1 (polycystin 1, transient receptor potential channel interacting; minus strand). Cytogenetic location: 16p13.3.
Variant type: single nucleotide variant.
Coding change: c.3362G>C on transcript NM_001009944.3 (MANE Select); coding-DNA position 3362, G replaced by C.
Protein change: p.Ser1121Thr; replaces serine 1121 with threonine.
Molecular consequence: missense variant.
Genome position (GRCh38, 1-based): chr16:2,111,805, C>G on the plus strand (G>C on the coding strand, the complement: PKD1 is on the minus strand). VCF-style: chr16-2111805-C-G. GRCh37 (hg19) VCF-style: chr16-2161806-C-G.
Other names: c.3362G>C, p.Ser1121Thr (NM_000296.4); short protein forms S1121T.
Identifiers: ClinVar variation 5001902 (VCV005001902.1).
Genomic context (GRCh38, chr16:2,111,805, plus strand): 5'-CCGGCCACCAGGACGCCGTCACTCACACCCACAGCCACGGAGGGCAGGGAGGCGCGCACG[C>G]TCACAGGCACCTGCTGCGTCAGGTTCTCGAAGGCATTAGATGCCAGCACGGTCAGGAGGT-3'
Protein context (NP_001009944.3, residues 1111-1131): FENLTQQVPV[Ser1121Thr]VRASLPSVAV

ClinVar aggregate classification (germline): Uncertain significance (1 of 4 stars; one submission).

Conditions:
PKD1-related disorder. Also called: PKD1-related condition.

Submission:

PreventionGenetics, part of Exact Sciences
Classification: Uncertain significance for PKD1-related condition. Last evaluated: 2025-07-31. Review status: criteria provided, single submitter. Criteria: ACMG Guidelines, 2015. Collection method: clinical testing. Allele origin: germline.
Comment: The PKD1 c.3362G>C variant is predicted to result in the amino acid substitution p.Ser1121Thr. To our knowledge, this variant has not been reported in the literature. This variant is reported in 0.00092% of alleles in individuals of European (Non-Finnish) descent in gnomAD. At this time, the clinical significance of this variant is uncertain due to the absence of conclusive functional and genetic evidence.